The following is an entry in ClinVar:

NM_006445.4(PRPF8):c.4179G>T (p.Arg1393Ser)

Gene: PRPF8 (pre-mRNA processing factor 8; minus strand). Cytogenetic location: 17p13.3.
Variant type: single nucleotide variant.
Coding change: c.4179G>T on transcript NM_006445.4 (MANE Select); coding-DNA position 4179, G replaced by T.
Protein change: p.Arg1393Ser; replaces arginine 1393 with serine.
Molecular consequence: missense variant.
Genome position (GRCh38, 1-based): chr17:1,661,634, C>A on the plus strand (G>T on the coding strand, the complement: PRPF8 is on the minus strand). VCF-style: chr17-1661634-C-A. GRCh37 (hg19) VCF-style: chr17-1564928-C-A.
Other names: short protein forms R1393S.
Identifiers: ClinVar variation 3602263 (VCV003602263.1).

ClinVar aggregate classification (germline): Uncertain significance (1 of 4 stars; one submission).

Submission:

GeneDx
Classification: Uncertain significance. Last evaluated: 2024-08-01. Review status: criteria provided, single submitter. Criteria: GeneDx Variant Classification Process June 2021. Collection method: clinical testing. Allele origin: germline. Affected: yes.
Comment: Not observed at significant frequency in large population cohorts (gnomAD); In silico analysis supports that this missense variant has a deleterious effect on protein structure/function; Has not been previously published as pathogenic or benign to our knowledge